The following is an entry in ClinVar:

NM_017654.4(SAMD9):c.2449G>A (p.Ala817Thr)

Gene: SAMD9 (sterile alpha motif domain containing 9; minus strand). Cytogenetic location: 7q21.2.
Variant type: single nucleotide variant.
Coding change: c.2449G>A on transcript NM_017654.4 (MANE Select); coding-DNA position 2449, G replaced by A.
Protein change: p.Ala817Thr; replaces alanine 817 with threonine.
Molecular consequence: missense variant.
Genome position (GRCh38, 1-based): chr7:93,103,649, C>T on the plus strand (G>A on the coding strand, the complement: SAMD9 is on the minus strand). VCF-style: chr7-93103649-C-T. GRCh37 (hg19) VCF-style: chr7-92732962-C-T.
Other names: c.2449G>A, p.Ala817Thr (NM_001193307.2); short protein forms A817T.
Identifiers: ClinVar variation 4629825 (VCV004629825.1).
Genomic context (GRCh38, chr7:93,103,649, plus strand): 5'-TCATACAATTTAGGATAATCACCAGAGGTTTTTCATATCGAATGTACTTTTTAGCTATAG[C>T]TGTTTGAATAGAGTACTGCAGAAGATAGACATTATCTTGTTCTTCAAAATCATCAACAAG-3'
Protein context (NP_060124.2, residues 807-827): VYLLQYSIQT[Ala817Thr]IAKKYIRYEK

ClinVar aggregate classification (germline): Uncertain significance (1 of 4 stars; one submission).

Conditions:
Inborn genetic diseases. Identifiers: MedGen C0950123, MeSH D030342.

Submission:

Ambry Genetics
Classification: Uncertain significance for Inborn genetic diseases. Last evaluated: 2025-09-26. Review status: criteria provided, single submitter. Criteria: Ambry Variant Classification Scheme 2023. Collection method: clinical testing. Allele origin: germline.
Comment: The p.A817T variant (also known as c.2449G>A), located in coding exon 1 of the SAMD9 gene, results from a G to A substitution at nucleotide position 2449. The alanine at codon 817 is replaced by threonine, an amino acid with similar properties. This amino acid position is conserved. In addition, this alteration is predicted to be tolerated by in silico analysis. Based on the available evidence, the clinical significance of this variant remains unclear.